The following is an entry in ClinVar:

ClinVar aggregate classification (germline): Uncertain significance (1 of 4 stars; one submission).

Submission:

Labcorp Genetics (formerly Invitae), Labcorp
Classification: Uncertain significance. Last evaluated: 2022-09-12. Review status: criteria provided, single submitter. Criteria: Invitae Variant Classification Sherloc (09022015). Collection method: clinical testing. Allele origin: germline.
Comment: In summary, the available evidence is currently insufficient to determine the role of this variant in disease. Therefore, it has been classified as a Variant of Uncertain Significance. Algorithms developed to predict the effect of sequence changes on RNA splicing suggest that this variant may create or strengthen a splice site. Advanced modeling of protein sequence and biophysical properties (such as structural, functional, and spatial information, amino acid conservation, physicochemical variation, residue mobility, and thermodynamic stability) has been performed at Invitae for this missense variant, however the output from this modeling did not meet the statistical confidence thresholds required to predict the impact of this variant on RTTN protein function. ClinVar contains an entry for this variant (Variation ID: 1394777). This variant has not been reported in the literature in individuals affected with RTTN-related conditions. This variant is not present in population databases (gnomAD no frequency). This sequence change replaces arginine, which is basic and polar, with serine, which is neutral and polar, at codon 470 of the RTTN protein (p.Arg470Ser).

NM_173630.4(RTTN):c.1410A>T (p.Arg470Ser)

Gene: RTTN (rotatin; minus strand). Cytogenetic location: 18q22.2.
Variant type: single nucleotide variant.
Coding change: c.1410A>T on transcript NM_173630.4 (MANE Select); coding-DNA position 1410, A replaced by T.
Protein change: p.Arg470Ser; replaces arginine 470 with serine.
Molecular consequence: missense variant. On other transcripts: 5 prime UTR variant (1).
Genome position (GRCh38, 1-based): chr18:70,176,741, T>A on the plus strand (A>T on the coding strand, the complement: RTTN is on the minus strand). VCF-style: chr18-70176741-T-A. GRCh37 (hg19) VCF-style: chr18-67843977-T-A.
Other names: c.-1144A>T (NM_001318520.2); short protein forms R470S.
Identifiers: ClinVar variation 1394777 (VCV001394777.8), dbSNP rs2145984066, ClinGen allele CA402698440.